The following is an entry in ClinVar:

NM_000059.4(BRCA2):c.9007G>T (p.Gly3003Ter)

Gene: BRCA2 (BRCA2 DNA repair associated; plus strand). Cytogenetic location: 13q13.1.
Variant type: single nucleotide variant.
Coding change: c.9007G>T on transcript NM_000059.4 (MANE Select); coding-DNA position 9007, G replaced by T.
Protein change: p.Gly3003Ter; replaces glycine 3003 with a stop codon.
Molecular consequence: nonsense.
Genome position (GRCh38, 1-based): chr13:32,379,803, G>T. VCF-style: chr13-32379803-G-T. GRCh37 (hg19) VCF-style: chr13-32953940-G-T.
Other names: short protein forms G3003*.
Identifiers: ClinVar variation 52726 (VCV000052726.3), dbSNP rs397508029, ClinGen allele CA025922.

ClinVar aggregate classification (germline): Pathogenic. Review status: reviewed by expert panel (3 of 4 stars). 2 submissions from 2 submitters: Pathogenic (1). 1 of the submissions does not count toward it. Last evaluated 2017-12-15.

Conditions:
Familial cancer of breast. Also called: BREAST CANCER, FAMILIAL; Hereditary breast cancer; hereditary breast carcinoma. Identifiers: Orphanet 227535, MedGen C0346153, MONDO:0016419, OMIM 114480. Disease mechanism: loss of function.
Breast-ovarian cancer, familial, susceptibility to, 2 (BROVCA2). Also called: BRCA2 Hereditary Breast and Ovarian Cancer. Identifiers: Orphanet 145, MedGen C2675520, MONDO:0012933, OMIM 612555. Disease mechanism: loss of function.

Submissions (2):

Evidence-based Network for the Interpretation of Germline Mutant Alleles (ENIGMA)
Classification: Pathogenic for Breast-ovarian cancer, familial, susceptibility to, 2. Last evaluated: 2017-12-15. Review status: reviewed by expert panel. Criteria: ENIGMA BRCA1/2 Classification Criteria (2017-06-29). Collection method: curation. Allele origin: germline. Study: ENIGMA.
Comment: Variant allele predicted to encode a truncated non-functional protein.

ClinVar Staff, National Center for Biotechnology Information (NCBI)
No classification provided. Condition: Familial cancer of breast. Review status: no classification provided. Collection method: literature only. Allele origin: germline. Affected: yes. Not counted in ClinVar's aggregate classification.

Literature cited by the submitters: PubMed 21614564 (cited by ClinVar Staff, National Center for Biotechnology Information (NCBI)).